The following is an entry in ClinVar:

NM_001754.5(RUNX1):c.1366G>A (p.Glu456Lys)

Gene: RUNX1 (RUNX family transcription factor 1; minus strand). Cytogenetic location: 21q22.12.
Variant type: single nucleotide variant.
Coding change: c.1366G>A on transcript NM_001754.5 (MANE Select); coding-DNA position 1366, G replaced by A.
Protein change: p.Glu456Lys; replaces glutamic acid 456 with lysine.
Molecular consequence: missense variant.
Genome position (GRCh38, 1-based): chr21:34,792,212, C>T on the plus strand (G>A on the coding strand, the complement: RUNX1 is on the minus strand). VCF-style: chr21-34792212-C-T. GRCh37 (hg19) VCF-style: chr21-36164509-C-T.
Other names: NM_001754.5(RUNX1):c.1366G>A; p.Glu456Lys; c.1285G>A, p.Glu429Lys (NM_001001890.3); short protein forms E429K, E456K.
Identifiers: ClinVar variation 3948866 (VCV003948866.2).

ClinVar aggregate classification (germline): Uncertain significance. Review status: reviewed by expert panel (3 of 4 stars). 2 submissions from 2 submitters: Uncertain significance (1). 1 of the submissions does not count toward it. Last evaluated 2026-05-27.

Conditions:
Inborn genetic diseases. Identifiers: MedGen C0950123, MeSH D030342.
Hereditary thrombocytopenia and hematologic cancer predisposition syndrome. Identifiers: Orphanet 71290, MedGen CN281654, MONDO:0011071.

gnomAD v4.1: 2 of 1,538,674 alleles (0.00013%); highest among the groups gnomAD compares: Admixed American, 0.0019%; no homozygotes.

Submissions (2):

ClinGen Myeloid Malignancy Variant Curation Expert Panel
Classification: Uncertain significance for Hereditary thrombocytopenia and hematologic cancer predisposition syndrome. Last evaluated: 2026-05-27. Review status: reviewed by expert panel. Criteria: ClinGen MyeloMalig ACMG Specifications V3.1. Collection method: curation. Allele origin: germline. Inheritance: Autosomal dominant inheritance.
Comment: NM_001754.5(RUNX1):c.1366G>A (p.Glu456Lys) is a missense variant which has a MAF ≤ 0.00005 in gnomAD v4 across all subpopulations with at least 20x coverage for RUNX1 (PM2_Supporting). This missense variant has a REVEL score <0.50 (0.0), and a SpliceAI score ≤0.20 (0.224) (BP4). In summary, the clinical significance of this variant is uncertain. ACMG/AMP criteria applied, as specified by the Myeloid Malignancy Variant Curation Expert Panel for RUNX1: PM2_Supporting, BP4.

Ambry Genetics
Classification: Likely benign for Inborn genetic diseases. Last evaluated: 2025-05-14. Review status: criteria provided, single submitter. Criteria: Ambry Variant Classification Scheme 2023. Collection method: clinical testing. Allele origin: germline. Not counted in ClinVar's aggregate classification.